The following is an entry in ClinVar:

ClinVar aggregate classification (germline): Benign/Likely benign. Review status: criteria provided, multiple submitters, no conflicts (2 of 4 stars). 20 submissions from 17 submitters: Benign (15); Likely benign (4). 1 of the submissions does not count toward it. Last evaluated 2026-03-11.

Conditions:
Hereditary cancer-predisposing syndrome. Also called: Tumor predisposition; Hereditary neoplastic syndrome; Hereditary Cancer Syndrome; Neoplastic Syndromes, Hereditary. Identifiers: Orphanet 140162, MedGen C0027672, MeSH D009386, MONDO:0015356.
Neurofibromatosis, familial spinal (FSNF). Identifiers: Orphanet 636, MedGen C1834235, MONDO:0008078, OMIM 162210. Disease mechanism: loss of function.
Neurofibromatosis, type 1 (NF1). Also called: NEUROFIBROMATOSIS, TYPE I, SOMATIC; VON RECKLINGHAUSEN DISEASE; Neurofibromatosis, type I; Peripheral type neurofibromatosis. Identifiers: Orphanet 636, MedGen C0027831, MONDO:0018975, OMIM 162200. Disease mechanism: loss of function.
Juvenile myelomonocytic leukemia (JMML). Also called: LEUKEMIA, JUVENILE MYELOMONOCYTIC, SOMATIC. Identifiers: Orphanet 86834, MedGen C0349639, MONDO:0011908, OMIM 607785, HP:0012209.
Neurofibromatosis-Noonan syndrome (NFNS). Also called: NEUROFIBROMATOSIS WITH NOONAN PHENOTYPE. Identifiers: Orphanet 638, MedGen C2931482, MONDO:0011035, OMIM 601321. Disease mechanism: loss of function.
Café-au-lait macules with pulmonary stenosis (WTSN). Also called: PULMONIC STENOSIS WITH CAFE-AU-LAIT SPOTS. Identifiers: MedGen C0553586, MONDO:0008672, OMIM 193520.

Allele frequency attached by ClinVar (database versions not stated): gnomAD 0.00032 and 0.00058; gnomAD exomes 0.00037 and 0.00131; TOPMed 0.00045; ExAC 0.00115; 1000 Genomes Project 30x 0.00578; 1000 Genomes Project 0.00579.
gnomAD v4.1: 618 of 1,613,848 alleles (0.038%); highest among the groups gnomAD compares: East Asian, 1.3%; 7 homozygotes.

Submissions (20):

Dasa
Classification: Benign. Last evaluated: 2026-03-11. Review status: criteria provided, single submitter. Criteria: DASA Assertion Criteria. Collection method: clinical testing. Allele origin: germline.
Comment: NM_001042492.3(NF1):c.1933A>G (p.Met645Val) is a missense variant that results in the substitution of methionine with valine. Population frequency is inconsistent with a disease-causing role for this variant, and observations in unaffected individuals support a benign interpretation. Therefore, based on the currently available evidence, this variant is classified as benign.

Myriad Genetics, Inc.
Classification: Likely benign for Neurofibromatosis, type 1. Last evaluated: 2026-02-27. Review status: criteria provided, single submitter. Criteria: Myriad Autosomal Dominant, Autosomal Recessive and X-Linked Classification Criteria (2023). Collection method: clinical testing. Allele origin: unknown.
Comment: This variant is considered likely benign. This variant has been observed at a population frequency that is significantly greater than expected given the associated disease prevalence and penetrance.

Labcorp Genetics (formerly Invitae), Labcorp
Classification: Benign for Neurofibromatosis, type 1. Last evaluated: 2026-02-03. Review status: criteria provided, single submitter. Criteria: Invitae Variant Classification Sherloc (09022015). Collection method: clinical testing. Allele origin: germline.

CeGaT Center for Human Genetics Tuebingen
Classification: Likely benign. Last evaluated: 2025-11-01. Review status: criteria provided, single submitter. Criteria: CeGaT Center For Human Genetics Tuebingen Variant Classification Criteria Version 2. Collection method: clinical testing. Allele origin: germline. Affected: yes. Observed: 1 variant allele.
Comment: NF1: BP4, BS1

Blueprint Genetics
Classification: Likely benign. Last evaluated: 2024-11-20. Review status: criteria provided, single submitter. Criteria: ACMG Guidelines, 2015. Collection method: clinical testing. Allele origin: germline.

ARUP Laboratories, Molecular Genetics and Genomics, ARUP Laboratories
Classification: Benign. Last evaluated: 2024-08-02. Review status: criteria provided, single submitter. Criteria: ARUP Molecular Germline Variant Investigation Process 2024. Collection method: clinical testing. Allele origin: germline.

KCCC/NGS Laboratory, Kuwait Cancer Control Center
Classification: Benign for Neurofibromatosis, familial spinal. Last evaluated: 2023-07-07. Review status: criteria provided, single submitter. Criteria: ACMG Guidelines, 2015. Collection method: clinical testing. Allele origin: germline. Affected: yes.

Genome-Nilou Lab
Classification: Benign for Neurofibromatosis, type 1. Last evaluated: 2022-03-15. Review status: criteria provided, single submitter. Criteria: ACMG Guidelines, 2015. Collection method: clinical testing. Allele origin: germline. Affected: no.

Fulgent Genetics
Classification: Likely benign for Neurofibromatosis, type 1; Neurofibromatosis, familial spinal; Café-au-lait macules with pulmonary stenosis; Neurofibromatosis-Noonan syndrome; Juvenile myelomonocytic leukemia. Last evaluated: 2021-12-28. Review status: criteria provided, single submitter. Criteria: ACMG Guidelines, 2015. Collection method: clinical testing. Allele origin: unknown.

Sema4
Classification: Benign for Hereditary cancer-predisposing syndrome. Last evaluated: 2020-12-16. Review status: criteria provided, single submitter. Criteria: Sema4 Curation Guidelines. Collection method: curation. Allele origin: germline.

Genome Diagnostics Laboratory, The Hospital for Sick Children
Classification: Benign for Neurofibromatosis, type 1. Last evaluated: 2020-10-26. Review status: criteria provided, single submitter. Criteria: ACMG Guidelines, 2015. Collection method: clinical testing. Allele origin: germline. Affected: yes.

Mendelics
Classification: Benign for Neurofibromatosis, type 1. Last evaluated: 2019-05-28. Review status: criteria provided, single submitter. Criteria: Mendelics Assertion Criteria 2017. Collection method: clinical testing. Allele origin: unknown.

Women's Health and Genetics/Laboratory Corporation of America, LabCorp
Classification: Benign. Last evaluated: 2018-12-27. Review status: criteria provided, single submitter. Criteria: LabCorp Variant Classification Summary - May 2015. Collection method: clinical testing. Allele origin: germline.
Comment: Variant summary: NF1 c.1933A>G (p.Met645Val) results in a conservative amino acid change in the encoded protein sequence. Five of five in-silico tools predict a benign effect of the variant on protein function. The variant allele was found at a frequency of 0.0017 in 301926 control chromosomes (gnomAD and publication), predominantly at a frequency of 0.017 within the East Asian subpopulation in the gnomAD database, including 6 homozygotes. The observed variant frequency within East Asian control individuals in the gnomAD database is approximately 81.59 fold of the estimated maximal expected allele frequency for a pathogenic variant in NF1 causing Neurofibromatosis Type 1 phenotype (0.00021), strongly suggesting that the variant is a benign polymorphism found primarily in populations of East Asian origin. c.1933A>G has been reported in the literature in individuals affected with Neurofibromatosis Type 1 and male breast cancer without strong evidence for causality while, two of the studies report co-occurrence of the variant with other causative variants (c.3211G>C; c.910C>T (classified pathogenic in ClinVar); c.162_163insAT; other nonsense mutations) (Momozawa_2018, Pasmant_2015, Zhang_2015, Xu_2014, Ko_2013). Four ClinVar submissions from clinical diagnostic laboratories (evaluation after 2014) cite the variant as benign (3x) and once as likely benign. Based on the evidence outlined above, the variant was classified as benign.

GeneDx
Classification: Benign. Last evaluated: 2018-04-11. Review status: criteria provided, single submitter. Criteria: GeneDx Variant Classification (06012015). Collection method: clinical testing. Allele origin: germline. Affected: yes.
Comment: This variant is considered likely benign or benign based on one or more of the following criteria: it is a conservative change, it occurs at a poorly conserved position in the protein, it is predicted to be benign by multiple in silico algorithms, and/or has population frequency not consistent with disease.

Illumina Laboratory Services, Illumina
Classification: Benign for Neurofibromatosis-Noonan syndrome. Last evaluated: 2018-01-13. Review status: criteria provided, single submitter. Criteria: ICSL Variant Classification Criteria 13 December 2019. Collection method: clinical testing. Allele origin: germline.
Comment: This variant was observed in the ICSL laboratory as part of a predisposition screen in an ostensibly healthy population. It had not been previously curated by ICSL or reported in the Human Gene Mutation Database (HGMD: prior to June 1st, 2018), and was therefore a candidate for classification through an automated scoring system. Utilizing variant allele frequency, disease prevalence and penetrance estimates, and inheritance mode, an automated score was calculated to assess if this variant is too frequent to cause the disease. Based on the score and internal cut-off values, a variant classified as benign is not then subjected to further curation. The score for this variant resulted in a classification of benign for this disease.

Illumina Laboratory Services, Illumina
Classification: Benign for Café-au-lait macules with pulmonary stenosis. Last evaluated: 2018-01-13. Review status: criteria provided, single submitter. Criteria: ICSL Variant Classification Criteria 13 December 2019. Collection method: clinical testing. Allele origin: germline.
Comment: the same text as in the submission from Illumina Laboratory Services, Illumina above.

Illumina Laboratory Services, Illumina
Classification: Benign for Neurofibromatosis, type 1. Last evaluated: 2018-01-13. Review status: criteria provided, single submitter. Criteria: ICSL Variant Classification Criteria 13 December 2019. Collection method: clinical testing. Allele origin: germline.
Comment: the same text as in the submission from Illumina Laboratory Services, Illumina above.

Illumina Laboratory Services, Illumina
Classification: Benign for Neurofibromatosis, familial spinal. Last evaluated: 2018-01-13. Review status: criteria provided, single submitter. Criteria: ICSL Variant Classification Criteria 13 December 2019. Collection method: clinical testing. Allele origin: germline.
Comment: the same text as in the submission from Illumina Laboratory Services, Illumina above.

Ambry Genetics
Classification: Benign for Hereditary cancer-predisposing syndrome. Last evaluated: 2015-03-30. Review status: criteria provided, single submitter. Criteria: Ambry Autosomal Dominant and X-Linked criteria (10/2015). Collection method: clinical testing. Allele origin: germline. Observed: 1 variant allele.
Comment: Co-occurence with mutation in same gene (phase unknown);In silico models in agreement (benign);Subpopulation frequency in support of benign classification

ITMI
No classification provided. Condition: AllHighlyPenetrant. Last evaluated: 2013-09-19. Review status: no classification provided. Collection method: reference population. Allele origin: germline. Not counted in ClinVar's aggregate classification.
Comment: Please see associated publication for description of ethnicities

Literature cited by the submitters: PubMed 24789688 (cited by Women's Health and Genetics/Laboratory Corporation of America, LabCorp and Ambry Genetics); PubMed 26056819 (cited by Women's Health and Genetics/Laboratory Corporation of America, LabCorp); PubMed 25074460 (cited by Women's Health and Genetics/Laboratory Corporation of America, LabCorp); PubMed 23668869 (cited by Women's Health and Genetics/Laboratory Corporation of America, LabCorp); PubMed 24728327 (cited by ITMI).

NM_001042492.3(NF1):c.1933A>G (p.Met645Val)

Gene: NF1 (neurofibromin 1; plus strand). Cytogenetic location: 17q11.2.
Variant type: single nucleotide variant.
Coding change: c.1933A>G on transcript NM_001042492.3 (MANE Select); coding-DNA position 1933, A replaced by G.
Protein change: p.Met645Val; replaces methionine 645 with valine.
Molecular consequence: missense variant.
Genome position (GRCh38, 1-based): chr17:31,225,182, A>G. VCF-style: chr17-31225182-A-G. GRCh37 (hg19) VCF-style: chr17-29552200-A-G.
Other names: c.1933A>G, p.Met645Val (NM_000267.4); short protein forms M645V.
Identifiers: ClinVar variation 134880 (VCV000134880.40), dbSNP rs146051850, ClinGen allele CA161010.